The following is an entry in ClinVar:

NM_004082.5(DCTN1):c.1982G>T (p.Ser661Ile)

Gene: DCTN1 (dynactin subunit 1; minus strand). Cytogenetic location: 2p13.1.
Variant type: single nucleotide variant.
Coding change: c.1982G>T on transcript NM_004082.5 (MANE Select); coding-DNA position 1982, G replaced by T.
Protein change: p.Ser661Ile; replaces serine 661 with isoleucine.
Molecular consequence: missense variant. On other transcripts: non-coding transcript variant (1).
Genome position (GRCh38, 1-based): chr2:74,368,004, C>A on the plus strand (G>T on the coding strand, the complement: DCTN1 is on the minus strand). VCF-style: chr2-74368004-C-A. GRCh37 (hg19) VCF-style: chr2-74595131-C-A.
Other names: c.1922G>T, p.Ser641Ile (NM_001135040.3); c.1580G>T, p.Ser527Ile (NM_001135041.3, NM_023019.4); c.1871G>T, p.Ser624Ile (NM_001190836.2); c.1961G>T, p.Ser654Ile (NM_001190837.2); c.1931G>T, p.Ser644Ile (NM_001378991.1); c.1913G>T, p.Ser638Ile (NM_001378992.1); short protein forms S527I, S624I, S661I, S641I, S654I, S638I, S644I.
Identifiers: ClinVar variation 624140 (VCV000624140.49), dbSNP rs1558938711, ClinGen allele CA347351916.

ClinVar aggregate classification (germline): Uncertain significance. Review status: criteria provided, multiple submitters, no conflicts (2 of 4 stars). 2 submissions from 2 submitters: Uncertain significance (2). Last evaluated 2025-04-23.

Conditions:
Amyotrophic lateral sclerosis type 1 (ALS1). Also called: AMYOTROPHIC LATERAL SCLEROSIS 1, FAMILIAL. Identifiers: Orphanet 803, MedGen C1862939, MONDO:0007103, OMIM 105400.
Neuronopathy, distal hereditary motor, type 7B. Also called: LOWER MOTOR NEURON DISEASE, DYNACTIN TYPE; NEURONOPATHY, DISTAL HEREDITARY MOTOR, AUTOSOMAL DOMINANT 14; NEURONOPATHY, DISTAL HEREDITARY MOTOR, HARDING TYPE VIIB; NEUROPATHY, DISTAL HEREDITARY MOTOR, HARDING TYPE VIIB; NEUROPATHY, DISTAL HEREDITARY MOTOR, WITH VOCAL CORD PARALYSIS, HARDING TYPE VIIB; Distal Hereditary Motor Neuronopathy Type 7B (dHMN7B). Identifiers: Orphanet 139589, MedGen C1843315, MONDO:0011879, OMIM 607641.
Perry syndrome. Also called: PARKINSONISM WITH ALVEOLAR HYPOVENTILATION AND MENTAL DEPRESSION. Identifiers: Orphanet 178509, MedGen C1868594, MONDO:0008201, OMIM 168605.

Allele frequency attached by ClinVar (database versions not stated): gnomAD exomes below 0.00001.
gnomAD v4.1: 1 of 1,614,212 alleles (0.000062%); highest among the groups gnomAD compares: Middle Eastern, 0.016%; no homozygotes.

Submissions (2):

Labcorp Genetics (formerly Invitae), Labcorp
Classification: Uncertain significance for Amyotrophic lateral sclerosis type 1; Neuronopathy, distal hereditary motor, type 7B; Perry syndrome. Last evaluated: 2025-04-23. Review status: criteria provided, single submitter. Criteria: Invitae Variant Classification Sherloc (09022015). Collection method: clinical testing. Allele origin: germline.
Comment: This sequence change replaces serine, which is neutral and polar, with isoleucine, which is neutral and non-polar, at codon 661 of the DCTN1 protein (p.Ser661Ile). This variant is not present in population databases (gnomAD no frequency). This variant has not been reported in the literature in individuals affected with DCTN1-related conditions. ClinVar contains an entry for this variant (Variation ID: 624140). Invitae Evidence Modeling of protein sequence and biophysical properties (such as structural, functional, and spatial information, amino acid conservation, physicochemical variation, residue mobility, and thermodynamic stability) indicates that this missense variant is not expected to disrupt DCTN1 protein function with a negative predictive value of 95%. In summary, the available evidence is currently insufficient to determine the role of this variant in disease. Therefore, it has been classified as a Variant of Uncertain Significance.

CeGaT Center for Human Genetics Tuebingen
Classification: Uncertain significance. Last evaluated: 2018-06-01. Review status: criteria provided, single submitter. Criteria: CeGaT Center For Human Genetics Tuebingen Variant Classification Criteria Version 2. Collection method: clinical testing. Allele origin: germline. Affected: yes. Observed: 1 variant allele.